The following is an entry in ClinVar:

ClinVar aggregate classification (germline): Uncertain significance (1 of 4 stars; one submission).

gnomAD v4.1: 11 of 1,202,568 alleles (0.00091%); highest among the groups gnomAD compares: Admixed American, 0.0044%; no homozygotes.

Submission:

Labcorp Genetics (formerly Invitae), Labcorp
Classification: Uncertain significance. Last evaluated: 2025-09-20. Review status: criteria provided, single submitter. Criteria: Invitae Variant Classification Sherloc (09022015). Collection method: clinical testing. Allele origin: germline.
Comment: This sequence change replaces proline, which is neutral and non-polar, with leucine, which is neutral and non-polar, at codon 359 of the GYG2 protein (p.Pro359Leu). The frequency data for this variant in the population databases is considered unreliable, as metrics indicate poor data quality at this position in the gnomAD database. This variant has not been reported in the literature in individuals affected with GYG2-related conditions. An algorithm developed to predict the effect of missense changes on protein structure and function outputs the following: PolyPhen-2: "Benign". The leucine amino acid residue is found in multiple mammalian species, which suggests that this missense change does not adversely affect protein function. In summary, the available evidence is currently insufficient to determine the role of this variant in disease. Therefore, it has been classified as a Variant of Uncertain Significance.

NM_001079855.2(GYG2):c.983C>T (p.Pro328Leu)

Gene: GYG2 (glycogenin 2; plus strand). Cytogenetic location: Xp22.33.
Variant type: single nucleotide variant.
Coding change: c.983C>T on transcript NM_001079855.2 (MANE Select); coding-DNA position 983, C replaced by T.
Protein change: p.Pro328Leu; replaces proline 328 with leucine.
Molecular consequence: missense variant.
Genome position (GRCh38, 1-based): chrX:2,861,667, C>T. VCF-style: chrX-2861667-C-T. GRCh37 (hg19) VCF-style: chrX-2779708-C-T.
Other names: c.983C>T, p.Pro328Leu (NM_001184702.2); c.1076C>T, p.Pro359Leu (NM_001184703.2, NM_003918.3); c.518C>T, p.Pro173Leu (NM_001184704.2); short protein forms P173L, P359L, P328L.
Identifiers: ClinVar variation 4778541 (VCV004778541.1).